The following is an entry in ClinVar:

ClinVar aggregate classification (germline): Pathogenic/Likely pathogenic. Review status: criteria provided, multiple submitters, no conflicts (2 of 4 stars). 2 submissions from 2 submitters: Pathogenic (1); Likely pathogenic (1). Last evaluated 2025-10-06.

Conditions:
Inborn genetic diseases. Identifiers: MedGen C0950123, MeSH D030342.

Submissions (2):

Ambry Genetics
Classification: Pathogenic for Inborn genetic diseases. Last evaluated: 2025-10-06. Review status: criteria provided, single submitter. Criteria: Ambry Variant Classification Scheme 2023. Collection method: clinical testing. Allele origin: germline.
Comment: The p.Q282* pathogenic mutation (also known as c.844C>T), located in coding exon 2 of the GATA2 gene, results from a C to T substitution at nucleotide position 844. This changes the amino acid from a glutamine to a stop codon within coding exon 2. This variant is considered to be rare based on population cohorts in the Genome Aggregation Database (gnomAD). This alteration is expected to result in loss of function by premature protein truncation or nonsense-mediated mRNA decay. As such, this alteration is interpreted as a disease-causing mutation.

PreventionGenetics, part of Exact Sciences
Classification: Likely pathogenic. Last evaluated: 2015-08-31. Review status: criteria provided, single submitter. Criteria: ACMG Guidelines, 2015. Collection method: clinical testing. Allele origin: germline.

NM_032638.5(GATA2):c.844C>T (p.Gln282Ter)

Gene: GATA2 (GATA binding protein 2; minus strand). Cytogenetic location: 3q21.3.
Variant type: single nucleotide variant.
Coding change: c.844C>T on transcript NM_032638.5 (MANE Select); coding-DNA position 844, C replaced by T.
Protein change: p.Gln282Ter; replaces glutamine 282 with a stop codon.
Molecular consequence: nonsense.
Genome position (GRCh38, 1-based): chr3:128,485,754, G>A on the plus strand (C>T on the coding strand, the complement: GATA2 is on the minus strand). VCF-style: chr3-128485754-G-A. GRCh37 (hg19) VCF-style: chr3-128204597-G-A.
Other names: c.844C>T, p.Gln282Ter (NM_001145661.2, NM_001145662.1); c.844C>T (NM_032638.4); short protein forms Q282*.
Identifiers: ClinVar variation 800696 (VCV000800696.3), dbSNP rs1576748357, ClinGen allele CA354405147.